The following is an entry in ClinVar:

ClinVar aggregate classification (germline): Uncertain significance. Review status: criteria provided, multiple submitters, no conflicts (2 of 4 stars). 2 submissions from 2 submitters: Uncertain significance (2). Last evaluated 2026-05-16.

Conditions:
ERBIN-related disorder. Also called: ERBIN-related condition.

Allele frequency attached by ClinVar (database versions not stated): gnomAD exomes below 0.00001 and 0.00002; ExAC 0.00001; gnomAD 0.00001; TOPMed 0.00001; ESP Exome Variant Server 0.00016.

Submissions (2):

PreventionGenetics, part of Exact Sciences
Classification: Uncertain significance for ERBIN-related condition. Last evaluated: 2026-05-16. Review status: criteria provided, single submitter. Criteria: ACMG Guidelines, 2015. Collection method: clinical testing. Allele origin: germline.
Comment: The ERBIN c.1835_1837dupTGC variant is predicted to result in an in-frame duplication (p.Met612_Arg613insLeu). To our knowledge, this variant has not been reported in the literature. This variant is reported in 0.0016% of alleles in individuals of European (Non-Finnish) descent in gnomAD. At this time, the clinical significance of this variant is uncertain due to the absence of conclusive functional and genetic evidence.

Labcorp Genetics (formerly Invitae), Labcorp
Classification: Uncertain significance. Last evaluated: 2022-12-20. Review status: criteria provided, single submitter. Criteria: Invitae Variant Classification Sherloc (09022015). Collection method: clinical testing. Allele origin: germline.
Comment: This variant, c.1835_1837dup, results in the insertion of 1 amino acid(s) of the ERBIN protein (p.Met612_Arg613insLeu), but otherwise preserves the integrity of the reading frame. This variant is present in population databases (rs780531962, gnomAD 0.007%). This variant has not been reported in the literature in individuals affected with ERBIN-related conditions. ClinVar contains an entry for this variant (Variation ID: 1474778). Experimental studies and prediction algorithms are not available or were not evaluated, and the functional significance of this variant is currently unknown. In summary, the available evidence is currently insufficient to determine the role of this variant in disease. Therefore, it has been classified as a Variant of Uncertain Significance.

NM_001253697.2(ERBIN):c.1835_1837dup (p.Met612_Arg613insLeu)

Gene: ERBIN (erbb2 interacting protein; plus strand). Cytogenetic location: 5q12.3.
Variant type: Duplication.
Coding change: c.1835_1837dup on transcript NM_001253697.2 (MANE Select); coding-DNA positions 1835 to 1837, 3 bases duplicated (TGC; older notation c.1835_1837dupTGC).
Protein change: p.Met612_Arg613insLeu.
Molecular consequence: inframe insertion.
Genome position (GRCh38, 1-based): chr5:66,048,713-66,048,715, TGC duplicated. VCF-style (leftmost placement, unchanged base first): chr5-66048712-A-ATGC. GRCh37 (hg19) VCF-style: chr5-65344540-A-ATGC.
Other names: c.1835_1837dup, p.Met612_Arg613insLeu (NM_001006600.3, NM_001253698.2, NM_001253699.2 and 1 more transcripts); c.1823_1825dup, p.Met608_Arg609insLeu (NM_001253701.2); c.1835_1837dupTGC (NM_001006600.2).
Identifiers: ClinVar variation 1474778 (VCV001474778.9), dbSNP rs780531962, ClinGen allele CA3286357.